The following is an entry in ClinVar:

NM_006904.7(PRKDC):c.2212C>T (p.His738Tyr)

Gene: PRKDC (protein kinase, DNA-activated, catalytic subunit; minus strand). Cytogenetic location: 8q11.21.
Variant type: single nucleotide variant.
Coding change: c.2212C>T on transcript NM_006904.7 (MANE Select); coding-DNA position 2212, C replaced by T.
Protein change: p.His738Tyr; replaces histidine 738 with tyrosine.
Molecular consequence: missense variant.
Genome position (GRCh38, 1-based): chr8:47,927,818, G>A on the plus strand (C>T on the coding strand, the complement: PRKDC is on the minus strand). VCF-style: chr8-47927818-G-A. GRCh37 (hg19) VCF-style: chr8-48840378-G-A.
Other names: c.2212C>T, p.His738Tyr (NM_001081640.2); short protein forms H738Y.
Identifiers: ClinVar variation 3225783 (VCV003225783.1), dbSNP rs372017101, ClinGen allele CA4741516.

ClinVar aggregate classification (germline): Uncertain significance (1 of 4 stars; one submission).

Allele frequency attached by ClinVar (database versions not stated): gnomAD exomes below 0.00001; TOPMed below 0.00001; ExAC 0.00001; gnomAD 0.00001; ESP Exome Variant Server 0.00008.
gnomAD v4.1: 6 of 1,592,944 alleles (0.00038%); highest among the groups gnomAD compares: Non-Finnish European, 0.00043%; no homozygotes.

Submission:

Ambry Genetics
Classification: Uncertain significance. Last evaluated: 2024-02-06. Review status: criteria provided, single submitter. Criteria: Ambry Variant Classification Scheme 2023. Collection method: clinical testing. Allele origin: germline.
Comment: The p.H738Y variant (also known as c.2212C>T), located in coding exon 20 of the PRKDC gene, results from a C to T substitution at nucleotide position 2212. The histidine at codon 738 is replaced by tyrosine, an amino acid with similar properties. This amino acid position is conserved. In addition, this alteration is predicted to be tolerated by in silico analysis. Based on the available evidence, the clinical significance of this alteration remains unclear.